The following is an entry in ClinVar:

NM_005546.4(ITK):c.82G>T (p.Val28Phe)

Gene: ITK (IL2 inducible T cell kinase; plus strand). Cytogenetic location: 5q33.3.
Variant type: single nucleotide variant.
Coding change: c.82G>T on transcript NM_005546.4 (MANE Select); coding-DNA position 82, G replaced by T.
Protein change: p.Val28Phe; replaces valine 28 with phenylalanine.
Molecular consequence: missense variant.
Genome position (GRCh38, 1-based): chr5:157,181,059, G>T. VCF-style: chr5-157181059-G-T. GRCh37 (hg19) VCF-style: chr5-156608070-G-T.
Other names: short protein forms V28F.
Identifiers: ClinVar variation 638898 (VCV000638898.8), dbSNP rs1580869283, ClinGen allele CA361966473.

ClinVar aggregate classification (germline): Uncertain significance (1 of 4 stars; one submission).

Conditions:
Lymphoproliferative syndrome 1 (LPFS1). Identifiers: Orphanet 238505, Orphanet 538963, MedGen C3552634, MONDO:0013081, OMIM 613011.

Allele frequency attached by ClinVar (database versions not stated): TOPMed below 0.00001; gnomAD exomes 0.00001.
gnomAD v4.1: 3 of 1,614,082 alleles (0.00019%); highest among the groups gnomAD compares: Non-Finnish European, 0.00017%; no homozygotes.

Submission:

Labcorp Genetics (formerly Invitae), Labcorp
Classification: Uncertain significance for Lymphoproliferative syndrome 1. Last evaluated: 2018-12-20. Review status: criteria provided, single submitter. Criteria: Invitae Variant Classification Sherloc (09022015). Collection method: clinical testing. Allele origin: germline.
Comment: In summary, the available evidence is currently insufficient to determine the role of this variant in disease. Therefore, it has been classified as a Variant of Uncertain Significance. Algorithms developed to predict the effect of missense changes on protein structure and function are either unavailable or do not agree on the potential impact of this missense change (SIFT: "Tolerated"; PolyPhen-2: "Possibly Damaging"; Align-GVGD: "Class C0"). This variant has not been reported in the literature in individuals with ITK-related conditions. This variant is not present in population databases (ExAC no frequency). This sequence change replaces valine with phenylalanine at codon 28 of the ITK protein (p.Val28Phe). The valine residue is moderately conserved and there is a small physicochemical difference between valine and phenylalanine.